The following is an entry in ClinVar:

NM_006580.4(CLDN16):c.149G>A (p.Cys50Tyr)

Gene: CLDN16 (claudin 16; plus strand). Cytogenetic location: 3q28.
Variant type: single nucleotide variant.
Coding change: c.149G>A on transcript NM_006580.4 (MANE Select); coding-DNA position 149, G replaced by A.
Protein change: p.Cys50Tyr; replaces cysteine 50 with tyrosine.
Molecular consequence: missense variant.
Genome position (GRCh38, 1-based): chr3:190,402,371, G>A. VCF-style: chr3-190402371-G-A. GRCh37 (hg19) VCF-style: chr3-190120160-G-A.
Other names: c.149G>A, p.Cys50Tyr (NM_001378492.1, NM_001378493.1); short protein forms C50Y.
Identifiers: ClinVar variation 1311269 (VCV001311269.9), dbSNP rs149965853, ClinGen allele CA2753769.

ClinVar aggregate classification (germline): Conflicting classifications of pathogenicity. Review status: criteria provided, conflicting classifications (1 of 4 stars). 3 submissions from 3 submitters: Likely pathogenic (1); Uncertain significance (2). Last evaluated 2025-05-01.

Conditions:
Primary hypomagnesemia (HOMG3). Also called: HYPOMAGNESEMIA 3, RENAL; HYPOMAGNESEMIA, FAMILIAL, WITH HYPERCALCIURIA AND NEPHROCALCINOSIS; HYPOMAGNESEMIA, ISOLATED RENAL; HYPOMAGNESEMIA, PRIMARY, DUE TO DEFECT IN RENAL TUBULAR TRANSPORT OF MAGNESIUM. Identifiers: Orphanet 31043, MedGen C0268448, MONDO:0009550, OMIM 248250.

Allele frequency attached by ClinVar (database versions not stated): gnomAD 0.00001; gnomAD exomes 0.00001 and 0.00003; ExAC 0.00002; TOPMed 0.00006; 1000 Genomes Project 30x 0.00016; 1000 Genomes Project 0.00020.
gnomAD v4.1: 13 of 1,614,018 alleles (0.00081%); highest among the groups gnomAD compares: Admixed American, 0.02%; no homozygotes.

Submissions (3):

Rare Kidney Stone Consortium and the Mayo Clinic Hyperoxaluria Center, Mayo Clinic
Classification: Likely pathogenic for Primary hypomagnesemia. Last evaluated: 2025-05-01. Review status: criteria provided, single submitter. Criteria: ACMG Guidelines, 2015. Collection method: research. Allele origin: germline. Affected: yes.
Comment: ACMG:PM1, PM3, PP2,PP3, PP4

homozygote

Labcorp Genetics (formerly Invitae), Labcorp
Classification: Uncertain significance. Last evaluated: 2024-08-12. Review status: criteria provided, single submitter. Criteria: Invitae Variant Classification Sherloc (09022015). Collection method: clinical testing. Allele origin: germline.
Comment: This sequence change replaces cysteine, which is neutral and slightly polar, with tyrosine, which is neutral and polar, at codon 120 of the CLDN16 protein (p.Cys120Tyr). This variant is present in population databases (rs149965853, gnomAD 0.02%). This missense change has been observed in individual(s) with familial hypomagnesemia (PMID: 34805638). ClinVar contains an entry for this variant (Variation ID: 1311269). An algorithm developed to predict the effect of missense changes on protein structure and function (PolyPhen-2) suggests that this variant is likely to be disruptive. This variant disrupts the p.Cys120 amino acid residue in CLDN16. Other variant(s) that disrupt this residue have been observed in individuals with CLDN16-related conditions (PMID: 17347984), which suggests that this may be a clinically significant amino acid residue. In summary, the available evidence is currently insufficient to determine the role of this variant in disease. Therefore, it has been classified as a Variant of Uncertain Significance.

GeneDx
Classification: Uncertain significance. Last evaluated: 2019-12-16. Review status: criteria provided, single submitter. Criteria: GeneDx Variant Classification Process June 2021. Collection method: clinical testing. Allele origin: germline. Affected: yes.
Comment: In silico analysis, which includes protein predictors and evolutionary conservation, supports a deleterious effect; Has not been previously published as pathogenic or benign to our knowledge

Literature cited by the submitters: PubMed 34805638 (cited by Rare Kidney Stone Consortium and the Mayo Clinic Hyperoxaluria Center, Mayo Clinic and Labcorp Genetics (formerly Invitae), Labcorp); PubMed 17347984 (cited by Labcorp Genetics (formerly Invitae), Labcorp).